The following is an entry in ClinVar:

NM_005228.5(EGFR):c.754C>G (p.Arg252Gly)

Gene: EGFR (epidermal growth factor receptor; plus strand). Cytogenetic location: 7p11.2.
Variant type: single nucleotide variant.
Coding change: c.754C>G on transcript NM_005228.5 (MANE Select); coding-DNA position 754, C replaced by G.
Protein change: p.Arg252Gly; replaces arginine 252 with glycine.
Molecular consequence: missense variant. On other transcripts: intron variant (1).
Genome position (GRCh38, 1-based): chr7:55,154,017, C>G. VCF-style: chr7-55154017-C-G. GRCh37 (hg19) VCF-style: chr7-55221710-C-G.
Other names: c.619C>G, p.Arg207Gly (NM_001346897.2, NM_001346899.2); c.754C>G, p.Arg252Gly (NM_001346898.2, NM_201282.2, NM_201283.2 and 1 more transcripts); c.595C>G, p.Arg199Gly (NM_001346900.2); c.89-1813C>G (NM_001346941.2); short protein forms R252G, R207G, R199G.
Identifiers: ClinVar variation 1993523 (VCV001993523.4), dbSNP rs775252718, ClinGen allele CA4265354.

ClinVar aggregate classification (germline): Uncertain significance (1 of 4 stars; one submission).

Conditions:
EGFR-related lung cancer (EGFR). Identifiers: MedGen CN130014.

Allele frequency attached by ClinVar (database versions not stated): gnomAD exomes below 0.00001; ExAC 0.00001.
gnomAD v4.1: 2 of 1,614,186 alleles (0.00012%); highest among the groups gnomAD compares: Non-Finnish European, 0.00017%; no homozygotes.

Submission:

Labcorp Genetics (formerly Invitae), Labcorp
Classification: Uncertain significance for EGFR-related lung cancer. Last evaluated: 2022-12-12. Review status: criteria provided, single submitter. Criteria: Invitae Variant Classification Sherloc (09022015). Collection method: clinical testing. Allele origin: germline.
Comment: In summary, the available evidence is currently insufficient to determine the role of this variant in disease. Therefore, it has been classified as a Variant of Uncertain Significance. Advanced modeling of protein sequence and biophysical properties (such as structural, functional, and spatial information, amino acid conservation, physicochemical variation, residue mobility, and thermodynamic stability) performed at Invitae indicates that this missense variant is not expected to disrupt EGFR protein function. This variant has not been reported in the literature in individuals affected with EGFR-related conditions. This variant is present in population databases (rs775252718, gnomAD 0.0009%). This sequence change replaces arginine, which is basic and polar, with glycine, which is neutral and non-polar, at codon 252 of the EGFR protein (p.Arg252Gly).